The following is an entry in ClinVar:

ClinVar aggregate classification (germline): Uncertain significance (1 of 4 stars; one submission).

Conditions:
Nemaline myopathy 2 (NEM2). Also called: Nemaline myopathy 2, autosomal recessive. Identifiers: MedGen C1850569, MONDO:0009725, OMIM 256030.

Allele frequency attached by ClinVar (database versions not stated): TOPMed below 0.00001; ExAC 0.00001; gnomAD 0.00001; gnomAD exomes 0.00001.
gnomAD v4.1: 7 of 1,613,802 alleles (0.00043%); highest among the groups gnomAD compares: South Asian, 0.0077%; 1 homozygote.

Submission:

Neuberg Centre For Genomic Medicine, NCGM
Classification: Uncertain significance for Nemaline myopathy 2. Review status: criteria provided, single submitter. Criteria: ACMG Guidelines, 2015. Collection method: clinical testing. Allele origin: germline. Affected: yes.
Comment: The missense variant p.P3179T in NEB (NM_001271208.2) has not been reported previously as a pathogenic variant nor as a benign variant, to our knowledge. The p.P3179T variant is observed in 3/30,602 (0.0098%) alleles from individuals of South Asian background in gnomAD Exomes and is novel (not in any individuals) in 1000 Genomes. The observed number of missense variations in the NEB gene in the gnomAD database are higher than expected and hence there is a possibility that missense variants may not be disease causing unless corroborated by functional studies. Insilco tools predict the variant to be tolerated and the residue is conserved across species. For these reasons, this variant has been classified as Uncertain Significance.

NM_001164508.2(NEB):c.9535C>A (p.Pro3179Thr)

Gene: NEB (nebulin; minus strand). Cytogenetic location: 2q23.3.
Variant type: single nucleotide variant.
Coding change: c.9535C>A on transcript NM_001164508.2 (MANE Select); coding-DNA position 9535, C replaced by A.
Protein change: p.Pro3179Thr; replaces proline 3179 with threonine.
Molecular consequence: missense variant. On other transcripts: intron variant (1).
Genome position (GRCh38, 1-based): chr2:151,631,226, G>T on the plus strand (C>A on the coding strand, the complement: NEB is on the minus strand). VCF-style: chr2-151631226-G-T. GRCh37 (hg19) VCF-style: chr2-152487740-G-T.
Other names: c.9535C>A, p.Pro3179Thr (NM_001164507.2, NM_001271208.2); c.8854-48C>A (NM_004543.5); short protein forms P3179T.
Identifiers: ClinVar variation 1339032 (VCV001339032.2), dbSNP rs754263826, ClinGen allele CA1909289.
Genomic context (GRCh38, chr2:151,631,226, plus strand): 5'-TCTTGGCCAGCACCTGCTCTAGAGAATCAGTCACACTGGTAAATTTCAGCTTGTCCGGAG[G>T]CTGGCGGTAGATGTTATCACTCAGTATTTCGGTAGCTCTCTTGCACTTGACCACATCCAT-3'
Protein context (NP_001157980.2, residues 3169-3189): EILSDNIYRQ[Pro3179Thr]PDKLKFTSVT